The following is an entry in ClinVar:

NM_001042681.2(RERE):c.43C>T (p.Arg15Trp)

Gene: RERE (arginine-glutamic acid dipeptide repeats; minus strand). Cytogenetic location: 1p36.23.
Variant type: single nucleotide variant.
Coding change: c.43C>T on transcript NM_001042681.2 (MANE Select); coding-DNA position 43, C replaced by T.
Protein change: p.Arg15Trp; replaces arginine 15 with tryptophan.
Molecular consequence: missense variant.
Genome position (GRCh38, 1-based): chr1:8,656,255, G>A on the plus strand (C>T on the coding strand, the complement: RERE is on the minus strand). VCF-style: chr1-8656255-G-A. GRCh37 (hg19) VCF-style: chr1-8716314-G-A.
Other names: c.43C>T, p.Arg15Trp (NM_012102.4); c.43C>T (NM_012102.3); short protein forms R15W.
Identifiers: ClinVar variation 1698815 (VCV001698815.4), dbSNP rs1244831205, ClinGen allele CA338223267.
Genomic context (GRCh38, chr1:8,656,255, plus strand): 5'-AATTCTCACTCTCTCTTGCTTTGTCTCTTTTCTCTCTCTCTCGGTCCCGGTCTCGGTCCC[G>A]GTCCTTCTCTTTGTCTTTGTCTTTGTCTTTGTCCGCTGTCATGATTCGCCACGTGCCTTC-3'
Protein context (NP_001036146.1, residues 5-25): KDKDKDKEKD[Arg15Trp]DRDRDREREK

ClinVar aggregate classification (germline): Uncertain significance. Review status: criteria provided, multiple submitters, no conflicts (2 of 4 stars). 2 submissions from 2 submitters: Uncertain significance (2). Last evaluated 2026-06-03.

Conditions:
Inborn genetic diseases. Identifiers: MedGen C0950123, MeSH D030342.
Neurodevelopmental disorder with or without anomalies of the brain, eye, or heart (NEDBEH). Identifiers: Orphanet 494344, MedGen C5567477, MONDO:0014857, OMIM 616975.

Allele frequency attached by ClinVar (database versions not stated): TOPMed 0.00003; gnomAD exomes below 0.00001; gnomAD 0.00001.
gnomAD v4.1: 30 of 1,612,518 alleles (0.0019%); highest among the groups gnomAD compares: East Asian, 0.0022%; no homozygotes.

Submissions (2):

Ambry Genetics
Classification: Uncertain significance for Inborn genetic diseases. Last evaluated: 2026-06-03. Review status: criteria provided, single submitter. Criteria: Ambry Variant Classification Scheme 2023. Collection method: clinical testing. Allele origin: germline.

Genetics and Molecular Pathology, SA Pathology
Classification: Uncertain significance for Neurodevelopmental disorder with or without anomalies of the brain, eye, or heart. Last evaluated: 2021-04-15. Review status: criteria provided, single submitter. Criteria: ACMG Guidelines, 2015. Collection method: clinical testing. Allele origin: germline. Inheritance: Autosomal dominant inheritance. Affected: yes.
Comment: The RERE c.43C>T variant is classified as a VARIANT OF UNCERTAIN SIGNIFICANCE (PM2) The RERE c.43C>T variant is a single nucleotide change in exon 3 of the RERE gene, which is predicted to change the amino acid arginine at position 15 in the protein to tryptophan. This variant is in dnSNP (rs1244831205) but is rare in population databases (gnomAD allele frequency = 0.00040%; 1 het and 0 hom in 250718 sequenced alleles) (PM2). It has not been reported in the ClinVar or HGMD disease databases. Computational predictions are equivocal.